The following is an entry in ClinVar:

ClinVar aggregate classification (germline): Benign. Review status: criteria provided, multiple submitters, no conflicts (2 of 4 stars). 2 submissions from 2 submitters: Benign (2). Last evaluated 2018-06-14.

Allele frequency attached by ClinVar (database versions not stated): gnomAD exomes 0.01020; gnomAD 0.10408 and 0.11178; 1000 Genomes Project 0.10962; 1000 Genomes Project 30x 0.11555; TOPMed 0.11634.
gnomAD v4.1: 31,192 of 1,580,666 alleles (2%); highest among the groups gnomAD compares: African/African-American, 36%; 5,025 homozygotes.

Submissions (2):

GeneDx
Classification: Benign. Last evaluated: 2018-06-14. Review status: criteria provided, single submitter. Criteria: GeneDx Variant Classification (06012015). Collection method: clinical testing. Allele origin: germline. Affected: yes.
Comment: This variant is considered likely benign or benign based on one or more of the following criteria: it is a conservative change, it occurs at a poorly conserved position in the protein, it is predicted to be benign by multiple in silico algorithms, and/or has population frequency not consistent with disease.

Breakthrough Genomics
Classification: Benign. Review status: criteria provided, single submitter. Criteria: ACMG Guidelines, 2015. Collection method: not provided. Allele origin: germline. Inheritance: Autosomal dominant inheritance. Affected: yes.

NM_000548.5(TSC2):c.2098-114A>G

Gene: TSC2 (TSC complex subunit 2; plus strand). Cytogenetic location: 16p13.3.
Variant type: single nucleotide variant.
Coding change: c.2098-114A>G on transcript NM_000548.5 (MANE Select); 114 bases into the intron before coding-DNA position 2098, A replaced by G.
Molecular consequence: intron variant.
Genome position (GRCh38, 1-based): chr16:2,072,127, A>G. VCF-style: chr16-2072127-A-G. GRCh37 (hg19) VCF-style: chr16-2122128-A-G.
Other names: c.2098-114A>G (NM_001114382.3, NM_021055.3, NM_001370405.1 and 3 more transcripts); c.1987-114A>G (NM_001318827.2); c.1498-114A>G (NM_001318831.2); c.1951-114A>G (NM_001318829.2); c.2131-114A>G (NM_001318832.2).
Identifiers: ClinVar variation 675965 (VCV000675965.2), dbSNP rs6600185, ClinGen allele CA276738100.
Genomic context (GRCh38, chr16:2,072,127, plus strand): 5'-CTTCCCCGAGCAGCTGCAGGGACAGAGGCCTGCGCTGGGCAGGCTCCCCCGGCTGAGAAC[A>G]GGGCTCCATAGCCCTTGACGCTGTGCAGCCACAAAGCAGAGCCTCAGATGCTAGCTTCCG-3'